The following is an entry in ClinVar:

NM_001367873.1(SOX6):c.2120T>G (p.Ile707Ser)

Gene: SOX6 (SRY-box transcription factor 6; minus strand). Cytogenetic location: 11p15.2.
Variant type: single nucleotide variant.
Coding change: c.2120T>G on transcript NM_001367873.1 (MANE Select); coding-DNA position 2120, T replaced by G.
Protein change: p.Ile707Ser; replaces isoleucine 707 with serine.
Molecular consequence: missense variant.
Genome position (GRCh38, 1-based): chr11:15,986,267, A>C on the plus strand (T>G on the coding strand, the complement: SOX6 is on the minus strand). VCF-style: chr11-15986267-A-C. GRCh37 (hg19) VCF-style: chr11-16007813-A-C.
Other names: c.2039T>G, p.Ile680Ser (NM_001145811.2, NM_017508.3); c.2120T>G, p.Ile707Ser (NM_001145819.2); c.1997T>G, p.Ile666Ser (NM_001367872.1); c.2060T>G, p.Ile687Ser (NM_033326.3); short protein forms I666S, I680S, I687S, I707S.
Identifiers: ClinVar variation 3372679 (VCV003372679.1).

ClinVar aggregate classification (germline): Uncertain significance (1 of 4 stars; one submission).

Submission:

GeneDx
Classification: Uncertain significance. Last evaluated: 2024-04-26. Review status: criteria provided, single submitter. Criteria: GeneDx Variant Classification Process June 2021. Collection method: clinical testing. Allele origin: germline. Affected: yes.
Comment: Not observed at significant frequency in large population cohorts (gnomAD); In silico analysis supports that this missense variant has a deleterious effect on protein structure/function; Has not been previously published as pathogenic or benign to our knowledge